The following is an entry in ClinVar:

NM_182961.4(SYNE1):c.1964A>G (p.Gln655Arg)

Gene: SYNE1 (spectrin repeat containing nuclear envelope protein 1; minus strand). Cytogenetic location: 6q25.2.
Variant type: single nucleotide variant.
Coding change: c.1964A>G on transcript NM_182961.4 (MANE Select); coding-DNA position 1964, A replaced by G.
Protein change: p.Gln655Arg; replaces glutamine 655 with arginine.
Molecular consequence: missense variant.
Genome position (GRCh38, 1-based): chr6:152,463,486, T>C on the plus strand (A>G on the coding strand, the complement: SYNE1 is on the minus strand). VCF-style: chr6-152463486-T-C. GRCh37 (hg19) VCF-style: chr6-152784621-T-C.
Other names: p.Gln662Arg; c.1985A>G, p.Gln662Arg (NM_033071.5); short protein forms Q655R, Q662R.
Identifiers: ClinVar variation 130417 (VCV000130417.72), dbSNP rs9397509, ClinGen allele CA155398.

ClinVar aggregate classification (germline): Benign/Likely benign. Review status: criteria provided, multiple submitters, no conflicts (2 of 4 stars). 16 submissions from 15 submitters: Benign (7); Likely benign (5). 4 of the submissions do not count toward it. Last evaluated 2026-09-01.

Conditions:
SYNE1-related disorder. Also called: SYNE1-related disorders; SYNE1-related disease; SYNE1-related condition.
Emery-Dreifuss muscular dystrophy 4, autosomal dominant (EDMD4). Also called: EMERY-DREIFUSS MUSCULAR DYSTROPHY 4 WITH VARIABLE FEATURES. Identifiers: Orphanet 261, MedGen C2751807, MONDO:0013071, OMIM 612998.
Autosomal recessive ataxia, Beauce type. Also called: Spinocerebellar ataxia, autosomal recessive 8; ATAXIA, RECESSIVE, OF BEAUCE; SYNE1-Related Autosomal Recessive Cerebellar Ataxia; SYNE1 Deficiency. Identifiers: Orphanet 88644, MedGen C1853116, MONDO:0012549, OMIM 610743.

Allele frequency attached by ClinVar (database versions not stated): 1000 Genomes Project 0.00399; 1000 Genomes Project 30x 0.00468; TOPMed 0.00557; ESP Exome Variant Server 0.00577; gnomAD 0.00597 and 0.00615; gnomAD exomes 0.00627 and 0.00725; ExAC 0.00628.
gnomAD v4.1: 11,515 of 1,613,582 alleles (0.71%); highest among the groups gnomAD compares: Non-Finnish European, 0.79%; 63 homozygotes.

Submissions (16):

CeGaT Center for Human Genetics Tuebingen
Classification: Likely benign. Last evaluated: 2026-09-01. Review status: criteria provided, single submitter. Criteria: CeGaT Center For Human Genetics Tuebingen Variant Classification Criteria Version 2. Collection method: clinical testing. Allele origin: germline. Affected: yes. Observed: 62 variant alleles.
Comment: SYNE1: BP4, BS2

Labcorp Genetics (formerly Invitae), Labcorp
Classification: Benign for Emery-Dreifuss muscular dystrophy 4, autosomal dominant; Autosomal recessive ataxia, Beauce type. Last evaluated: 2026-01-27. Review status: criteria provided, single submitter. Criteria: Invitae Variant Classification Sherloc (09022015). Collection method: clinical testing. Allele origin: germline.

Laboratory of Genetics, Children's Clinical University Hospital Latvia
Classification: Benign. Last evaluated: 2025-02-16. Review status: criteria provided, single submitter. Criteria: ACMG Guidelines, 2015. Collection method: clinical testing. Allele origin: germline. Affected: yes.

Athena Diagnostics
Classification: Benign. Last evaluated: 2019-02-19. Review status: criteria provided, single submitter. Criteria: Athena Diagnostics Criteria. Collection method: clinical testing. Allele origin: germline.

Mayo Clinic Laboratories, Mayo Clinic
Classification: Benign. Last evaluated: 2018-03-09. Review status: criteria provided, single submitter. Criteria: ACMG Guidelines, 2015. Collection method: clinical testing. Allele origin: germline. Observed: 16 variant alleles.

Genetic Services Laboratory, University of Chicago
Classification: Benign. Last evaluated: 2017-07-07. Review status: criteria provided, single submitter. Criteria: ACMG Guidelines, 2015. Collection method: clinical testing. Allele origin: germline. Affected: no.

Illumina Laboratory Services, Illumina
Classification: Likely benign for Autosomal recessive ataxia, Beauce type. Last evaluated: 2017-04-27. Review status: criteria provided, single submitter. Criteria: ICSL Variant Classification Criteria 13 December 2019. Collection method: clinical testing. Allele origin: germline.
Comment: This variant was observed as part of a predisposition screen in an ostensibly healthy population. A literature search was performed for the gene, cDNA change, and amino acid change (where applicable). No publications were found based on this search. Allele frequency data from public databases allowed determination this variant is unlikely to cause disease. Therefore, this variant is classified as likely benign.

Illumina Laboratory Services, Illumina
Classification: Likely benign for Emery-Dreifuss muscular dystrophy 4, autosomal dominant. Last evaluated: 2017-04-27. Review status: criteria provided, single submitter. Criteria: ICSL Variant Classification Criteria 13 December 2019. Collection method: clinical testing. Allele origin: germline.
Comment: the same text as in the submission from Illumina Laboratory Services, Illumina above.

Center for Pediatric Genomic Medicine, Children's Mercy Hospital and Clinics
Classification: Likely benign. Last evaluated: 2016-10-13. Review status: criteria provided, single submitter. Criteria: ACMG Guidelines, 2015. Collection method: clinical testing. Allele origin: germline.
ClinVar note: Converted during submission from Likely Benign to Likely benign.

GeneDx
Classification: Benign. Last evaluated: 2016-10-10. Review status: criteria provided, single submitter. Criteria: GeneDx Variant Classification (06012015). Collection method: clinical testing. Allele origin: germline. Affected: yes.
Comment: This variant is considered likely benign or benign based on one or more of the following criteria: it is a conservative change, it occurs at a poorly conserved position in the protein, it is predicted to be benign by multiple in silico algorithms, and/or has population frequency not consistent with disease.

Eurofins Ntd Llc (ga)
Classification: Benign. Last evaluated: 2014-12-24. Review status: criteria provided, single submitter. Criteria: EGL Classification Definitions 2015. Collection method: clinical testing. Allele origin: germline. Observed: 2 variant alleles, 2 heterozygotes.

Breakthrough Genomics
Classification: Likely benign. Review status: criteria provided, single submitter. Criteria: ACMG Guidelines, 2015. Collection method: not provided. Allele origin: germline. Inheritance: Autosomal recessive inheritance. Affected: yes.

PreventionGenetics, part of Exact Sciences
Classification: Benign for SYNE1-related condition. Last evaluated: 2019-12-07. Review status: no assertion criteria provided. Collection method: clinical testing. Allele origin: germline. Not counted in ClinVar's aggregate classification.
Comment: This variant is classified as benign based on ACMG/AMP sequence variant interpretation guidelines (Richards et al. 2015 PMID: 25741868, with internal and published modifications).

Clinical Genetics DNA and cytogenetics Diagnostics Lab, Erasmus MC, Erasmus Medical Center
Classification: Likely benign. Review status: no assertion criteria provided. Collection method: clinical testing. Allele origin: germline. Affected: yes. Study: VKGL Data-share Consensus. Not counted in ClinVar's aggregate classification.

Genome Diagnostics Laboratory, University Medical Center Utrecht
Classification: Likely benign. Review status: no assertion criteria provided. Collection method: clinical testing. Allele origin: germline. Affected: yes. Study: VKGL Data-share Consensus. Not counted in ClinVar's aggregate classification.

Laboratory of Diagnostic Genome Analysis, Leiden University Medical Center (LUMC)
Classification: Likely benign. Review status: no assertion criteria provided. Collection method: clinical testing. Allele origin: germline. Affected: yes. Study: VKGL Data-share Consensus. Not counted in ClinVar's aggregate classification.

Literature cited by the submitters: PubMed 24123876 (cited by Athena Diagnostics).